The following is an entry in ClinVar:

ClinVar aggregate classification (germline): Likely benign. Review status: criteria provided, multiple submitters, no conflicts (2 of 4 stars). 2 submissions from 2 submitters: Likely benign (2). Last evaluated 2025-01-20.

Conditions:
CACNA1F-related disorder. Also called: CACNA1F-related condition.

Allele frequency attached by ClinVar (database versions not stated): gnomAD exomes 0.00001 and 0.00004; ExAC 0.00010; gnomAD 0.00010 and 0.00012; TOPMed 0.00012; 1000 Genomes Project 30x 0.00021; 1000 Genomes Project 0.00026; ESP Exome Variant Server 0.00028.
gnomAD v4.1: 21 of 1,201,723 alleles (0.0017%); highest among the groups gnomAD compares: African/African-American, 0.032%; no homozygotes.

Submissions (2):

Labcorp Genetics (formerly Invitae), Labcorp
Classification: Likely benign. Last evaluated: 2025-01-20. Review status: criteria provided, single submitter. Criteria: Invitae Variant Classification Sherloc (09022015). Collection method: clinical testing. Allele origin: germline.

PreventionGenetics, part of Exact Sciences
Classification: Likely benign for CACNA1F-related condition. Last evaluated: 2024-10-13. Review status: criteria provided, single submitter. Criteria: ACMG Guidelines, 2015. Collection method: clinical testing. Allele origin: germline.
Comment: This variant is classified as likely benign based on ACMG/AMP sequence variant interpretation guidelines (Richards et al. 2015 PMID: 25741868, with internal and published modifications).

NM_001256789.3(CACNA1F):c.1932C>T (p.Ser644=)

Gene: CACNA1F (calcium voltage-gated channel subunit alpha1 F; minus strand). Cytogenetic location: Xp11.23.
Variant type: single nucleotide variant.
Coding change: c.1932C>T on transcript NM_001256789.3 (MANE Select); coding-DNA position 1932, C replaced by T.
Protein change: p.Ser644=; no amino-acid change (serine 644 retained).
Molecular consequence: synonymous variant.
Genome position (GRCh38, 1-based): chrX:49,223,082, G>A on the plus strand (C>T on the coding strand, the complement: CACNA1F is on the minus strand). VCF-style: chrX-49223082-G-A. GRCh37 (hg19) VCF-style: chrX-49079541-G-A.
Other names: c.1965C>T (NM_005183.3); c.1770C>T, p.Ser590= (NM_001256790.3); c.1965C>T, p.Ser655= (NM_005183.4).
Identifiers: ClinVar variation 1114621 (VCV001114621.11), dbSNP rs370393709, ClinGen allele CA10410762.